The following is an entry in ClinVar:

NM_005022.4(PFN1):c.353G>T (p.Gly118Val)

Gene: PFN1 (profilin 1; minus strand). Cytogenetic location: 17p13.2.
Variant type: single nucleotide variant.
Coding change: c.353G>T on transcript NM_005022.4 (MANE Select); coding-DNA position 353, G replaced by T.
Protein change: p.Gly118Val; replaces glycine 118 with valine.
Molecular consequence: missense variant. On other transcripts: 3 prime UTR variant (1).
Genome position (GRCh38, 1-based): chr17:4,945,970, C>A on the plus strand (G>T on the coding strand, the complement: PFN1 is on the minus strand). VCF-style: chr17-4945970-C-A. GRCh37 (hg19) VCF-style: chr17-4849265-C-A.
Other names: c.*437G>T (NM_001375991.1); short protein forms G118V.
Identifiers: ClinVar variation 37036 (VCV000037036.4), dbSNP rs387907266, ClinGen allele CA260577.

ClinVar aggregate classification (germline): Pathogenic. Review status: criteria provided, single submitter (1 of 4 stars). 2 submissions from 2 submitters: Pathogenic (1). 1 of the submissions does not count toward it. Last evaluated 2024-06-09.

Conditions:
Amyotrophic lateral sclerosis type 18. Identifiers: Orphanet 803, MedGen C3553719, MONDO:0013891, OMIM 614808.

Allele frequency attached by ClinVar (database versions not stated): gnomAD exomes below 0.00001.

Submissions (2):

Labcorp Genetics (formerly Invitae), Labcorp
Classification: Pathogenic. Last evaluated: 2024-06-09. Review status: criteria provided, single submitter. Criteria: Invitae Variant Classification Sherloc (09022015). Collection method: clinical testing. Allele origin: germline.
Comment: This sequence change replaces glycine, which is neutral and non-polar, with valine, which is neutral and non-polar, at codon 118 of the PFN1 protein (p.Gly118Val). This variant is not present in population databases (gnomAD no frequency). This missense change has been observed in individuals with amyotrophic lateral sclerosis (PMID: 22801503, 31401564, 31802421). It has also been observed to segregate with disease in related individuals. ClinVar contains an entry for this variant (Variation ID: 37036). An algorithm developed to predict the effect of missense changes on protein structure and function (PolyPhen-2) suggests that this variant is likely to be disruptive. Experimental studies have shown that this missense change affects PFN1 function (PMID: 22801503, 26226631, 26908597). For these reasons, this variant has been classified as Pathogenic.

OMIM
Classification: Pathogenic for AMYOTROPHIC LATERAL SCLEROSIS 18. Last evaluated: 2012-08-23. Review status: no assertion criteria provided. Collection method: literature only. Allele origin: germline. Not counted in ClinVar's aggregate classification.

Literature cited by the submitters: PubMed 22801503 (cited by Labcorp Genetics (formerly Invitae), Labcorp and OMIM); PubMed 31401564 (cited by Labcorp Genetics (formerly Invitae), Labcorp); PubMed 31802421 (cited by Labcorp Genetics (formerly Invitae), Labcorp); PubMed 26226631 (cited by Labcorp Genetics (formerly Invitae), Labcorp); PubMed 26908597 (cited by Labcorp Genetics (formerly Invitae), Labcorp).